The following is an entry in ClinVar:

ClinVar aggregate classification (germline): Uncertain significance (1 of 4 stars; one submission).

Conditions:
Familial thoracic aortic aneurysm and aortic dissection (TAAD). Also called: Thoracic aortic aneurysms and dissections. Identifiers: Orphanet 91387, MedGen C4707243, MONDO:0019625.

Allele frequency attached by ClinVar (database versions not stated): gnomAD exomes below 0.00001.
gnomAD v4.1: 1 of 1,614,170 alleles (0.000062%); highest among the groups gnomAD compares: Non-Finnish European, 0.000085%; no homozygotes.

Submission:

Ambry Genetics
Classification: Uncertain significance for Familial thoracic aortic aneurysm and aortic dissection. Last evaluated: 2021-07-23. Review status: criteria provided, single submitter. Criteria: Ambry Variant Classification Scheme 2023. Collection method: clinical testing. Allele origin: germline.
Comment: The p.Y1535C variant (also known as c.4604A>G), located in coding exon 37 of the FBN1 gene, results from an A to G substitution at nucleotide position 4604. The tyrosine at codon 1535 is replaced by cysteine, an amino acid with highly dissimilar properties, and is located in the TGFBP #04 domain. The majority of FBN1 mutations identified to date have involved the substitution or generation of cysteine residues within cbEGF domains (Vollbrandt T et al. J Biol Chem. 2004;279(31):32924-32931). This amino acid position is well conserved in available vertebrate species. In addition, this alteration is predicted to be deleterious by in silico analysis. Since supporting evidence is limited at this time, the clinical significance of this alteration remains unclear.

NM_000138.5(FBN1):c.4604A>G (p.Tyr1535Cys)

Gene: FBN1 (fibrillin 1; minus strand). Cytogenetic location: 15q21.1.
Variant type: single nucleotide variant.
Coding change: c.4604A>G on transcript NM_000138.5 (MANE Select); coding-DNA position 4604, A replaced by G.
Protein change: p.Tyr1535Cys; replaces tyrosine 1535 with cysteine.
Molecular consequence: missense variant.
Genome position (GRCh38, 1-based): chr15:48,468,081, T>C on the plus strand (A>G on the coding strand, the complement: FBN1 is on the minus strand). VCF-style: chr15-48468081-T-C. GRCh37 (hg19) VCF-style: chr15-48760278-T-C.
Other names: c.4604A>G, p.Tyr1535Cys (NM_001406716.1); short protein forms Y1535C.
Identifiers: ClinVar variation 1741839 (VCV001741839.2), dbSNP rs2505502001, ClinGen allele CA392353144.